The following is an entry in ClinVar:

ClinVar aggregate classification (germline): Uncertain significance (1 of 4 stars; one submission).

Conditions:
Familial adenomatous polyposis 1 (FAP1). Also called: POLYPOSIS, ADENOMATOUS INTESTINAL; FAMILIAL ADENOMATOUS POLYPOSIS 1, ATTENUATED. Identifiers: MedGen C2713442, MONDO:0021056, OMIM 175100. Disease mechanism: loss of function.

gnomAD v4.1: 1 of 1,370,646 alleles (0.000073%); highest among the groups gnomAD compares: Non-Finnish European, 0.000096%; no homozygotes.

Submission:

Labcorp Genetics (formerly Invitae), Labcorp
Classification: Uncertain significance for Familial adenomatous polyposis 1. Last evaluated: 2025-10-27. Review status: criteria provided, single submitter. Criteria: Invitae Variant Classification Sherloc (09022015). Collection method: clinical testing. Allele origin: germline.
Comment: This variant occurs in a non-coding region of the APC gene. It does not change the encoded amino acid sequence of the APC protein. This variant is not present in population databases (gnomAD no frequency). This variant has not been reported in the literature in individuals affected with APC-related conditions. Experimental studies and prediction algorithms are not available or were not evaluated, and the functional significance of this variant is currently unknown. In summary, the available evidence is currently insufficient to determine the role of this variant in disease. Therefore, it has been classified as a Variant of Uncertain Significance.

NM_001127511.3(APC):c.68G>A (p.Gly23Glu)

Gene: APC (APC regulator of Wnt signaling pathway; plus strand). Cytogenetic location: 5q22.2.
Variant type: single nucleotide variant.
Coding change: c.68G>A on transcript NM_001127511.3; coding-DNA position 68, G replaced by A.
Protein change: p.Gly23Glu; replaces glycine 23 with glutamic acid.
Molecular consequence: missense variant. On other transcripts: 5 prime UTR variant (8), non-coding transcript variant (1), intron variant (5).
Genome position (GRCh38, 1-based): chr5:112,707,785, G>A. VCF-style: chr5-112707785-G-A. GRCh37 (hg19) VCF-style: chr5-112043482-G-A.
Other names: c.-116G>A (NM_001354895.2, NM_001407447.1, NM_001407452.1 and 3 more transcripts); c.68G>A, p.Gly23Glu (NM_001354897.2, NM_001354902.2, NM_001407446.1); c.-1151G>A (NM_001407470.1, NM_001407472.1); c.-19+136G>A (NM_001407448.1, NM_001407450.1, NM_001407457.1 and 1 more transcripts); c.-43+136G>A (NM_001407453.1); short protein forms G23E.
Identifiers: ClinVar variation 4776218 (VCV004776218.1).